The following is an entry in ClinVar:

NM_004006.3(DMD):c.6421del (p.Tyr2141fs)

Gene: DMD (dystrophin; minus strand). Cytogenetic location: Xp21.1.
Variant type: Deletion.
Coding change: c.6421del on transcript NM_004006.3 (MANE Select); coding-DNA position 6421, one base deleted (T; older notation c.6421delT).
Protein change: p.Tyr2141fs; shifts the reading frame from tyrosine 2141.
Molecular consequence: frameshift variant.
Genome position (GRCh38, 1-based): chrX:32,216,933, A deleted on the plus strand (T on the coding strand, the reverse complement: DMD is on the minus strand). VCF-style (leftmost placement, unchanged base first): chrX-32216932-TA-T. GRCh37 (hg19) VCF-style: chrX-32235049-TA-T.
Other names: c.6397del, p.Tyr2133fs (NM_000109.4); c.6409del, p.Tyr2137fs (NM_004009.3); c.6052del, p.Tyr2018fs (NM_004010.3); c.2398del, p.Tyr800fs (NM_004011.4); c.2389del, p.Tyr797fs (NM_004012.4); short protein forms Y2133fs, Y797fs, Y2018fs, Y800fs, Y2137fs, Y2141fs.
Identifiers: ClinVar variation 2745711 (VCV002745711.3), dbSNP rs2519057505, ClinGen allele CA2697552947.

ClinVar aggregate classification (germline): Pathogenic (1 of 4 stars; one submission).

Conditions:
Duchenne muscular dystrophy (DMD). Also called: MUSCULAR DYSTROPHY, PSEUDOHYPERTROPHIC PROGRESSIVE, DUCHENNE TYPE; Duchenne Muscular Dystrophy (DMD). Identifiers: Orphanet 98896, MedGen C0013264, MONDO:0010679, OMIM 310200.

Submission:

Labcorp Genetics (formerly Invitae), Labcorp
Classification: Pathogenic for Duchenne muscular dystrophy. Last evaluated: 2023-07-21. Review status: criteria provided, single submitter. Criteria: Invitae Variant Classification Sherloc (09022015). Collection method: clinical testing. Allele origin: germline.
Comment: For these reasons, this variant has been classified as Pathogenic. This variant has not been reported in the literature in individuals affected with DMD-related conditions. This variant is not present in population databases (gnomAD no frequency). This sequence change creates a premature translational stop signal (p.Tyr2141Thrfs*22) in the DMD gene. It is expected to result in an absent or disrupted protein product. Loss-of-function variants in DMD are known to be pathogenic (PMID: 16770791, 25007885).

Literature cited by the submitters: PubMed 16770791; PubMed 25007885.